The following is an entry in ClinVar:

ClinVar aggregate classification (germline): Uncertain significance (1 of 4 stars; one submission).

Conditions:
Lethal multiple pterygium syndrome (LMPS). Identifiers: Orphanet 33108, MedGen C1854678, MONDO:0009668, OMIM 253290.

Submission:

Labcorp Genetics (formerly Invitae), Labcorp
Classification: Uncertain significance for Lethal multiple pterygium syndrome. Last evaluated: 2023-10-17. Review status: criteria provided, single submitter. Criteria: Invitae Variant Classification Sherloc (09022015). Collection method: clinical testing. Allele origin: germline.
Comment: This sequence change replaces alanine, which is neutral and non-polar, with valine, which is neutral and non-polar, at codon 177 of the CHRNA1 protein (p.Ala177Val). This variant is not present in population databases (gnomAD no frequency). This variant has not been reported in the literature in individuals affected with CHRNA1-related conditions. Advanced modeling of protein sequence and biophysical properties (such as structural, functional, and spatial information, amino acid conservation, physicochemical variation, residue mobility, and thermodynamic stability) performed at Invitae indicates that this missense variant is not expected to disrupt CHRNA1 protein function. In summary, the available evidence is currently insufficient to determine the role of this variant in disease. Therefore, it has been classified as a Variant of Uncertain Significance.

NM_000079.4(CHRNA1):c.530C>T (p.Ala177Val)

Gene: CHRNA1 (cholinergic receptor nicotinic alpha 1 subunit; minus strand). Cytogenetic location: 2q31.1.
Variant type: single nucleotide variant.
Coding change: c.530C>T on transcript NM_000079.4 (MANE Select); coding-DNA position 530, C replaced by T.
Protein change: p.Ala177Val; replaces alanine 177 with valine.
Molecular consequence: missense variant.
Genome position (GRCh38, 1-based): chr2:174,754,229, G>A on the plus strand (C>T on the coding strand, the complement: CHRNA1 is on the minus strand). VCF-style: chr2-174754229-G-A. GRCh37 (hg19) VCF-style: chr2-175618957-G-A.
Other names: c.605C>T, p.Ala202Val (NM_001039523.3); short protein forms A177V, A202V.
Identifiers: ClinVar variation 2769562 (VCV002769562.3), dbSNP rs1487449348, ClinGen allele CA349340810.